The following is an entry in ClinVar:

ClinVar aggregate classification (germline): Uncertain significance (1 of 4 stars; one submission).

Conditions:
Kabuki syndrome 2 (KABUK2). Also called: KDM6A-Related Kabuki Syndrome. Identifiers: Orphanet 2322, MedGen C3275495, MONDO:0010465, OMIM 300867.

Submission:

Labcorp Genetics (formerly Invitae), Labcorp
Classification: Uncertain significance for Kabuki syndrome 2. Last evaluated: 2023-01-07. Review status: criteria provided, single submitter. Criteria: Invitae Variant Classification Sherloc (09022015). Collection method: clinical testing. Allele origin: germline.
Comment: This variant, c.3162_3164del, results in the deletion of 1 amino acid(s) of the KDM6A protein (p.Arg1054del), but otherwise preserves the integrity of the reading frame. This variant is present in population databases (rs750891389, gnomAD 0.001%), including at least one homozygous and/or hemizygous individual. This variant has not been reported in the literature in individuals affected with KDM6A-related conditions. Experimental studies and prediction algorithms are not available or were not evaluated, and the functional significance of this variant is currently unknown. In summary, the available evidence is currently insufficient to determine the role of this variant in disease. Therefore, it has been classified as a Variant of Uncertain Significance.

NM_001291415.2(KDM6A):c.3315AAG[1] (p.Arg1106del)

Gene: KDM6A (lysine demethylase 6A; plus strand). Cytogenetic location: Xp11.3.
Variant type: Microsatellite.
Coding change: c.3315AAG[1] on transcript NM_001291415.2 (MANE Select); one copy of the 3-base unit AAG starting at c.3315; the reference has two copies in a row; one copy, 3 bases deleted.
Protein change: p.Arg1106del; deletes arginine 1106.
Molecular consequence: inframe deletion. On other transcripts: non-coding transcript variant (1).
Genome position (GRCh38, 1-based): chrX:45,082,593-45,082,595, AAG deleted; deleting any 3 consecutive bases within chrX:45,082,590-45,082,595 gives the same sequence; the position shown is the placement nearest the transcript's 3' end. VCF-style (leftmost placement, unchanged base first): chrX-45082589-AAAG-A. GRCh37 (hg19) VCF-style: chrX-44941834-AAAG-A.
Other names: c.3180AAG[1], p.Arg1061del (NM_001419811.1, NM_001291416.2); c.3159AAG[1], p.Arg1054del (NM_001419812.1, NM_021140.4); c.3213AAG[1], p.Arg1072del (NM_001419813.1, NM_001419810.1); c.3057AAG[1], p.Arg1020del (NM_001419814.1, NM_001410742.1); c.2922AAG[1], p.Arg975del (NM_001419815.1, NM_001291418.2); c.3024AAG[1], p.Arg1009del (NM_001291417.2); c.2271AAG[1], p.Arg758del (NM_001291421.2); c.3315AAG[1], p.Arg1106del (NM_001419809.1); short protein forms R1061del, R1106del, R975del, R1009del, R1054del, R1020del, R1072del, R758del.
Identifiers: ClinVar variation 2826792 (VCV002826792.3), dbSNP rs750891389, ClinGen allele CA10392649.